The following is an entry in ClinVar:

ClinVar aggregate classification (germline): Benign. Review status: criteria provided, multiple submitters, no conflicts (2 of 4 stars). 4 submissions from 4 submitters: Benign (3). 1 of the submissions does not count toward it. Last evaluated 2015-10-04.

Conditions:
ABCB1-related disorder. Also called: ABCB1-related condition.

Allele frequency attached by ClinVar (database versions not stated): gnomAD exomes 0.02736 and 0.03296; ExAC 0.02902; 1000 Genomes Project 0.01258; gnomAD 0.02535 and 0.02618; TOPMed 0.02597; 1000 Genomes Project 30x 0.01312; ESP Exome Variant Server 0.02823.
gnomAD v4.1: 51,811 of 1,613,078 alleles (3.2%); highest among the groups gnomAD compares: Non-Finnish European, 3.8%; 1,007 homozygotes.

Submissions (4):

Genomic Diagnostic Laboratory, Division of Genomic Diagnostics, Children's Hospital of Philadelphia
Classification: Benign. Last evaluated: 2015-10-04. Review status: criteria provided, single submitter. Criteria: DGD Variant Analysis Guidelines. Collection method: clinical testing. Allele origin: unknown.

Eurofins Ntd Llc (ga)
Classification: Benign. Last evaluated: 2014-05-22. Review status: criteria provided, single submitter. Criteria: EGL Classification Definitions 2015. Collection method: clinical testing. Allele origin: germline. Observed: 1 variant allele, 1 heterozygote.

Breakthrough Genomics
Classification: Benign. Review status: criteria provided, single submitter. Criteria: ACMG Guidelines, 2015. Collection method: not provided. Allele origin: germline. Inheritance: Unknown mechanism. Affected: yes.

PreventionGenetics, part of Exact Sciences
Classification: Likely benign for ABCB1-related condition. Last evaluated: 2021-07-21. Review status: no assertion criteria provided. Collection method: clinical testing. Allele origin: germline. Not counted in ClinVar's aggregate classification.
Comment: This variant is classified as likely benign based on ACMG/AMP sequence variant interpretation guidelines (Richards et al. 2015 PMID: 25741868, with internal and published modifications).

NM_001348946.2(ABCB1):c.1199G>A (p.Ser400Asn)

Gene: ABCB1 (ATP binding cassette subfamily B member 1; minus strand). Cytogenetic location: 7q21.12.
Variant type: single nucleotide variant.
Coding change: c.1199G>A on transcript NM_001348946.2 (MANE Select); coding-DNA position 1199, G replaced by A.
Protein change: p.Ser400Asn; replaces serine 400 with asparagine.
Molecular consequence: missense variant.
Genome position (GRCh38, 1-based): chr7:87,550,493, C>T on the plus strand (G>A on the coding strand, the complement: ABCB1 is on the minus strand). VCF-style: chr7-87550493-C-T. GRCh37 (hg19) VCF-style: chr7-87179809-C-T.
Other names: c.1199G>A, p.Ser400Asn (NM_000927.5, NM_001348944.2); c.1409G>A, p.Ser470Asn (NM_001348945.2); short protein forms S400N, S470N.
Identifiers: ClinVar variation 194008 (VCV000194008.9), dbSNP rs2229109, ClinGen allele CA200911.